The following is an entry in ClinVar:

NM_000726.5(CACNB4):c.356C>T (p.Ser119Phe)

Gene: CACNB4 (calcium voltage-gated channel auxiliary subunit beta 4; minus strand). Cytogenetic location: 2q23.3.
Variant type: single nucleotide variant.
Coding change: c.356C>T on transcript NM_000726.5 (MANE Select); coding-DNA position 356, C replaced by T.
Protein change: p.Ser119Phe; replaces serine 119 with phenylalanine.
Molecular consequence: missense variant. On other transcripts: 5 prime UTR variant (2).
Genome position (GRCh38, 1-based): chr2:151,880,834, G>A on the plus strand (C>T on the coding strand, the complement: CACNB4 is on the minus strand). VCF-style: chr2-151880834-G-A. GRCh37 (hg19) VCF-style: chr2-152737348-G-A.
Other names: c.302C>T, p.Ser101Phe (NM_001005746.4, NM_001330113.2); c.254C>T, p.Ser85Phe (NM_001005747.4, NM_001330115.2); c.356C>T, p.Ser119Phe (NM_001145798.3); c.215C>T, p.Ser72Phe (NM_001320722.3, NM_001330116.2, NM_001330118.2); c.-279C>T (NM_001330114.2); c.-203C>T (NM_001330117.2); short protein forms S119F, S101F, S72F, S85F.
Identifiers: ClinVar variation 569436 (VCV000569436.9), dbSNP rs1367982719, ClinGen allele CA348804246.

ClinVar aggregate classification (germline): Uncertain significance. Review status: criteria provided, multiple submitters, no conflicts (2 of 4 stars). 2 submissions from 2 submitters: Uncertain significance (2). Last evaluated 2022-10-17.

Conditions:
Idiopathic generalized epilepsy. Also called: Generalised epilepsy; EIG. Identifiers: MedGen C0270850, MONDO:0005579, OMIM 600669.

Submissions (2):

Athena Diagnostics
Classification: Uncertain significance. Last evaluated: 2022-10-17. Review status: criteria provided, single submitter. Criteria: Athena Diagnostics Criteria. Collection method: clinical testing. Allele origin: unknown.
Comment: Available data are insufficient to determine the clinical significance of the variant at this time. The frequency of this variant in the general population is uninformative in assessment of its pathogenicity. Computational tools predict that this variant is damaging.

Labcorp Genetics (formerly Invitae), Labcorp
Classification: Uncertain significance for Idiopathic generalized epilepsy. Last evaluated: 2018-03-15. Review status: criteria provided, single submitter. Criteria: Invitae Variant Classification Sherloc (09022015). Collection method: clinical testing. Allele origin: germline.
Comment: In summary, the available evidence is currently insufficient to determine the role of this variant in disease. Therefore, it has been classified as a Variant of Uncertain Significance. Algorithms developed to predict the effect of missense changes on protein structure and function (SIFT, PolyPhen-2, Align-GVGD) all suggest that this variant is likely to be disruptive, but these predictions have not been confirmed by published functional studies and their clinical significance is uncertain. This variant has not been reported in the literature in individuals with CACNB4-related disease. This variant is not present in population databases (ExAC no frequency). This sequence change replaces serine with phenylalanine at codon 119 of the CACNB4 protein (p.Ser119Phe). The serine residue is highly conserved and there is a large physicochemical difference between serine and phenylalanine.